The following is an entry in ClinVar:

ClinVar aggregate classification (germline): Conflicting classifications of pathogenicity. Review status: criteria provided, conflicting classifications (1 of 4 stars). 3 submissions from 3 submitters: Likely pathogenic (2); Uncertain significance (1). Last evaluated 2025-09-10.

Conditions:
PKD1-related disorder. Also called: PKD1-related condition.
Polycystic kidney disease, adult type (PKD1). Also called: Polycystic Kidney Disease 1, Autosomal Dominant; Polycystic kidney disease 1; Polycystic kidney disease 1, severe; Polycystic Kidney, Autosomal Dominant; POLYCYSTIC KIDNEY DISEASE, ADULT, TYPE I; POLYCYSTIC KIDNEY DISEASE 1 WITH OR WITHOUT POLYCYSTIC LIVER DISEASE. Identifiers: MedGen C3149841, MONDO:0008263, OMIM 173900.

Submissions (3):

Genomic Medicine Center of Excellence, King Faisal Specialist Hospital and Research Centre
Classification: Uncertain significance for Polycystic kidney disease, adult type. Last evaluated: 2025-09-10. Review status: criteria provided, single submitter. Criteria: ACMG Guidelines, 2015. Collection method: clinical testing. Allele origin: germline.

PreventionGenetics, part of Exact Sciences
Classification: Likely pathogenic for PKD1-related condition. Last evaluated: 2025-04-09. Review status: criteria provided, single submitter. Criteria: ACMG Guidelines, 2015. Collection method: clinical testing. Allele origin: germline.
Comment: The PKD1 c.5609A>T variant is predicted to result in the amino acid substitution p.Asn1870Ile. This variant was reported in an individual with autosomal dominant polycystic kidney disease (ADPKD) (Supplemental Table 2, Heyer et al. 2016. PubMed ID: 26823553). The p.Asn1870 residue is highly conserved. Of note, different substitutions at the same codon have been widely reported in individuals with ADPKD, indicating that this codon is critical for the protein function (p.Asn1870His in Rossetti et al. 2007. PubMed ID: 17582161 and Supplemental Table 2, Heyer et al. 2016. PubMed ID: 26823553; p.Asn1870Asp in Table S5, Audrézet et al. 2012. PubMed ID: 22508176; p.Asn1870Ser in Table S3, Hwang et al. 2016. PubMed ID: 26453610 and Nigro et al. 2023. PubMed ID: 37372416; p.Asn1870Lys in Bataille et al. 2011. PubMed ID: 22008521). To our knowledge, the c.5609A>T (p.Asn1870Ile) variant has not been reported in a large population database (gnomAD), indicating this variant is rare. Taken together, this variant is interpreted as likely pathogenic.

Fulgent Genetics
Classification: Likely pathogenic for Polycystic kidney disease, adult type. Last evaluated: 2024-04-20. Review status: criteria provided, single submitter. Criteria: ACMG Guidelines, 2015. Collection method: clinical testing. Allele origin: germline.

NM_001009944.3(PKD1):c.5609A>T (p.Asn1870Ile)

Gene: PKD1 (polycystin 1, transient receptor potential channel interacting; minus strand). Cytogenetic location: 16p13.3.
Variant type: single nucleotide variant.
Coding change: c.5609A>T on transcript NM_001009944.3 (MANE Select); coding-DNA position 5609, A replaced by T.
Protein change: p.Asn1870Ile; replaces asparagine 1870 with isoleucine.
Molecular consequence: missense variant.
Genome position (GRCh38, 1-based): chr16:2,109,558, T>A on the plus strand (A>T on the coding strand, the complement: PKD1 is on the minus strand). VCF-style: chr16-2109558-T-A. GRCh37 (hg19) VCF-style: chr16-2159559-T-A.
Other names: c.5609A>T, p.Asn1870Ile (NM_000296.4); short protein forms N1870I.
Identifiers: ClinVar variation 3579428 (VCV003579428.3).
Genomic context (GRCh38, chr16:2,109,558, plus strand): 5'-AGGCCCACGATGGGCTCCTCCGCCGTGAGGTTGTACGTGGCTGAGACCCAGCTGACTGCG[T>A]TGGAGGCATTGAGCCGGATGGAGAAGGTGCCAGCATCCGGGAAGACCATGGTGACATGAG-3'
Protein context (NP_001009944.3, residues 1860-1880): GTFSIRLNAS[Asn1870Ile]AVSWVSATYN